The following is an entry in ClinVar:

NM_001386298.1(CIC):c.6402G>A (p.Gly2134=)

Gene: CIC (capicua transcriptional repressor; plus strand). Cytogenetic location: 19q13.2.
Variant type: single nucleotide variant.
Coding change: c.6402G>A on transcript NM_001386298.1 (MANE Select); coding-DNA position 6402, G replaced by A.
Protein change: p.Gly2134=; no amino-acid change (glycine 2134 retained).
Molecular consequence: synonymous variant.
Genome position (GRCh38, 1-based): chr19:42,293,161, G>A. VCF-style: chr19-42293161-G-A. GRCh37 (hg19) VCF-style: chr19-42797313-G-A.
Other names: c.6402G>A, p.Gly2134= (NM_001304815.2, NM_001379482.1, NM_001379483.1); c.6399G>A, p.Gly2133= (NM_001379480.1); c.3675G>A, p.Gly1225= (NM_001379484.1, NM_001379485.1, NM_015125.5).
Identifiers: ClinVar variation 2650009 (VCV002650009.24), dbSNP rs147780190, ClinGen allele CA9472697.

ClinVar aggregate classification (germline): Likely benign (1 of 4 stars; one submission).

Allele frequency attached by ClinVar (database versions not stated): 1000 Genomes Project 30x 0.00016; ExAC 0.00019; 1000 Genomes Project 0.00020; gnomAD 0.00034; TOPMed 0.00049; ESP Exome Variant Server 0.00054.
gnomAD v4.1: 104 of 1,604,314 alleles (0.0065%); highest among the groups gnomAD compares: African/African-American, 0.12%; no homozygotes.

Submission:

CeGaT Center for Human Genetics Tuebingen
Classification: Likely benign. Last evaluated: 2023-04-01. Review status: criteria provided, single submitter. Criteria: CeGaT Center For Human Genetics Tuebingen Variant Classification Criteria Version 2. Collection method: clinical testing. Allele origin: germline. Affected: yes. Observed: 1 variant allele.
Comment: CIC: BP4, BP7, BS1